The following is an entry in ClinVar:

NM_000045.4(ARG1):c.57+1G>A

Gene: ARG1 (arginase 1; plus strand). Cytogenetic location: 6q23.2.
Variant type: single nucleotide variant.
Coding change: c.57+1G>A on transcript NM_000045.4 (MANE Select); the canonical splice donor site of the intron after coding-DNA position 57, G replaced by A.
Molecular consequence: splice donor variant.
Genome position (GRCh38, 1-based): chr6:131,573,340, G>A. VCF-style: chr6-131573340-G-A. GRCh37 (hg19) VCF-style: chr6-131894480-G-A.
Other names: IVS1DS, G-A, +1; c.57+1G>A (NM_001244438.2, NM_001369020.1).
Identifiers: ClinVar variation 2395 (VCV000002395.15), dbSNP rs587776539, ClinGen allele CA339977.

ClinVar aggregate classification (germline): Pathogenic/Likely pathogenic. Review status: criteria provided, multiple submitters, no conflicts (2 of 4 stars). 6 submissions from 6 submitters: Pathogenic (3); Likely pathogenic (2). 1 of the submissions does not count toward it. Last evaluated 2024-11-07.

Conditions:
ARG1-related disorder. Also called: ARG1-related condition.
Arginase deficiency. Also called: ARG1 DEFICIENCY; ARGININEMIA; Arginase 1 Deficiency. Identifiers: Orphanet 90, MedGen C0268548, MONDO:0008814, OMIM 207800.

Allele frequency attached by ClinVar (database versions not stated): TOPMed below 0.00001; ExAC 0.00001; gnomAD exomes 0.00001.

Submissions (6):

Blueprint Genetics
Classification: Likely pathogenic for ARG1-related disorders. Last evaluated: 2024-11-07. Review status: criteria provided, single submitter. Criteria: ACMG Guidelines, 2015. Collection method: clinical testing. Allele origin: germline. Affected: yes. Observed: 2 variant alleles.

Labcorp Genetics (formerly Invitae), Labcorp
Classification: Pathogenic for Arginase deficiency. Last evaluated: 2024-08-14. Review status: criteria provided, single submitter. Criteria: Invitae Variant Classification Sherloc (09022015). Collection method: clinical testing. Allele origin: germline.
Comment: This sequence change affects a donor splice site in intron 1 of the ARG1 gene. It is expected to disrupt RNA splicing. Variants that disrupt the donor or acceptor splice site typically lead to a loss of protein function (PMID: 16199547), and loss-of-function variants in ARG1 are known to be pathogenic (PMID: 7649538, 12052859). This variant is present in population databases (rs587776539, gnomAD 0.002%). Disruption of this splice site has been observed in individual(s) with arginase deficiency (PMID: 7649538). ClinVar contains an entry for this variant (Variation ID: 2395). Algorithms developed to predict the effect of sequence changes on RNA splicing suggest that this variant may disrupt the consensus splice site. For these reasons, this variant has been classified as Pathogenic.

Baylor Genetics
Classification: Pathogenic for Arginase deficiency. Last evaluated: 2024-01-08. Review status: criteria provided, single submitter. Criteria: ACMG Guidelines, 2015. Collection method: clinical testing. Allele origin: unknown.

Fulgent Genetics
Classification: Pathogenic for Arginase deficiency. Last evaluated: 2022-02-10. Review status: criteria provided, single submitter. Criteria: ACMG Guidelines, 2015. Collection method: clinical testing. Allele origin: unknown.

Myriad Genetics, Inc.
Classification: Likely pathogenic for Arginase deficiency. Last evaluated: 2021-11-11. Review status: criteria provided, single submitter. Criteria: Myriad Women's Health Autosomal Recessive and X-Linked Classification Criteria (2021). Collection method: clinical testing. Allele origin: unknown.
Comment: NM_000045.3(ARG1):c.57+1G>A is a canonical splice site variant classified as likely pathogenic in the context of argininemia. c.57+1G>A has been observed in cases with relevant disease (PMID: 7649538). Functional assessments of this variant are not available in the literature. c.57+1G>A has been observed in population frequency databases (gnomAD: NFE 0.001%). In summary, NM_000045.3(ARG1):c.57+1G>A is a canonical splice site variant in a gene where loss of function is a known mechanism of disease, is predicted to disrupt protein function, and has been observed more frequently in cases with the relevant disease than in healthy populations. Please note: this variant was assessed in the context of healthy population screening.

OMIM
Classification: Pathogenic for ARGININEMIA. Last evaluated: 1995-09-01. Review status: no assertion criteria provided. Collection method: literature only. Allele origin: germline. Not counted in ClinVar's aggregate classification.

Literature cited by the submitters: PubMed 16199547 (cited by Labcorp Genetics (formerly Invitae), Labcorp); PubMed 7649538 (cited by 3 submitters); PubMed 12052859 (cited by Labcorp Genetics (formerly Invitae), Labcorp); PubMed 3658675 (cited by OMIM).